The following is an entry in ClinVar:

NM_015032.4(PDS5B):c.313G>T (p.Asp105Tyr)

Gene: PDS5B (PDS5 cohesin associated factor B; plus strand). Cytogenetic location: 13q13.1.
Variant type: single nucleotide variant.
Coding change: c.313G>T on transcript NM_015032.4 (MANE Select); coding-DNA position 313, G replaced by T.
Protein change: p.Asp105Tyr; replaces aspartic acid 105 with tyrosine.
Molecular consequence: missense variant.
Genome position (GRCh38, 1-based): chr13:32,658,239, G>T. VCF-style: chr13-32658239-G-T. GRCh37 (hg19) VCF-style: chr13-33232376-G-T.
Other names: short protein forms D105Y.
Identifiers: ClinVar variation 2637959 (VCV002637959.1), dbSNP rs2500557520, ClinGen allele CA387769785.

ClinVar aggregate classification (germline): Uncertain significance (1 of 4 stars; one submission).

Conditions:
PDS5B-related developmental disorder.

Submission:

Illumina Laboratory Services, Illumina
Classification: Uncertain significance for PDS5B-related developmental disorder. Last evaluated: 2023-07-11. Review status: criteria provided, single submitter. Criteria: ICSLVariantClassificationCriteria RUGD 01 April 2020. Collection method: clinical testing. Allele origin: unknown.
Comment: The PDS5B c.313G>T (p.Asp105Tyr) missense variant has not, to our knowledge, been published in the peer-reviewed literature. This variant is not observed in version 2.1.1 or version 3.1.2 of the Genome Aggregation Database and computational evidence suggests the variant may impact the gene or gene product. This variant was identified in a de novo state. Based on the available evidence, the c.313G>T (p.Asp105Tyr) variant is classified as a variant of uncertain significance for PDS5B-related developmental disorder.